The following is an entry in ClinVar:

ClinVar aggregate classification (germline): Uncertain significance (1 of 4 stars; one submission).

Conditions:
Familial adenomatous polyposis 1 (FAP1). Also called: FAMILIAL ADENOMATOUS POLYPOSIS 1, ATTENUATED; POLYPOSIS, ADENOMATOUS INTESTINAL. Identifiers: MedGen C2713442, MONDO:0021056, OMIM 175100. Disease mechanism: loss of function.

Allele frequency attached by ClinVar (database versions not stated): gnomAD exomes below 0.00001; TOPMed below 0.00001.
gnomAD v4.1: 5 of 1,370,686 alleles (0.00036%); highest among the groups gnomAD compares: Non-Finnish European, 0.00048%; no homozygotes.

Submission:

Labcorp Genetics (formerly Invitae), Labcorp
Classification: Uncertain significance for Familial adenomatous polyposis 1. Last evaluated: 2025-12-29. Review status: criteria provided, single submitter. Criteria: Invitae Variant Classification Sherloc (09022015). Collection method: clinical testing. Allele origin: germline.
Comment: This variant occurs in a non-coding region of the APC gene. It does not change the encoded amino acid sequence of the APC protein. This variant is not present in population databases (gnomAD no frequency). This variant has not been reported in the literature in individuals affected with APC-related conditions. Experimental studies and prediction algorithms are not available or were not evaluated, and the functional significance of this variant is currently unknown. In summary, the available evidence is currently insufficient to determine the role of this variant in disease. Therefore, it has been classified as a Variant of Uncertain Significance.

NM_001127511.3(APC):c.47C>G (p.Ser16Cys)

Gene: APC (APC regulator of Wnt signaling pathway; plus strand). Cytogenetic location: 5q22.2.
Variant type: single nucleotide variant.
Coding change: c.47C>G on transcript NM_001127511.3; coding-DNA position 47, C replaced by G.
Protein change: p.Ser16Cys; replaces serine 16 with cysteine.
Molecular consequence: missense variant. On other transcripts: 5 prime UTR variant (8), non-coding transcript variant (1), intron variant (5).
Genome position (GRCh38, 1-based): chr5:112,707,764, C>G. VCF-style: chr5-112707764-C-G. GRCh37 (hg19) VCF-style: chr5-112043461-C-G.
Other names: c.-137C>G (NM_001354895.2, NM_001407447.1, NM_001407452.1 and 3 more transcripts); c.47C>G, p.Ser16Cys (NM_001354897.2, NM_001354902.2, NM_001407446.1); c.-1172C>G (NM_001407470.1, NM_001407472.1); c.-19+115C>G (NM_001407448.1, NM_001407450.1, NM_001407457.1 and 1 more transcripts); c.-43+115C>G (NM_001407453.1); short protein forms S16C.
Identifiers: ClinVar variation 1449639 (VCV001449639.7), dbSNP rs1750606277, ClinGen allele CA360611755.
Genomic context (GRCh38, chr5:112,707,764, plus strand): 5'-CCTCGGCGCCCCCTATGTACGCCTCCCTGGGCTCGGGTCCGGTCGCCCCTTTGCCCGCTT[C>G]TGTACCACCCTCAGTTCTCGGGTCCTGGAGCACCGGCGGCAGCAGGAGCTGCGTCCGGCA-3'